The following is an entry in ClinVar:

ClinVar aggregate classification (germline): Uncertain significance (1 of 4 stars; one submission).

Conditions:
Frontotemporal dementia and/or amyotrophic lateral sclerosis 1 (FTDALS1). Also called: C9orf72 Frontotemporal Dementia and/or Amyotrophic Lateral Sclerosis; Frontotemporal dementia with motor neuron disease 1. Identifiers: Orphanet 275872, MedGen C5779877, MONDO:0007105, OMIM 105550.
Paget disease of bone 2, early-onset (PDB2). Also called: Paget disease of bone 2. Identifiers: MedGen C4085251, MONDO:0011183, OMIM 602080.

gnomAD v4.1: 1 of 1,613,942 alleles (0.000062%); highest among the groups gnomAD compares: Non-Finnish European, 0.000085%; no homozygotes.

Submission:

Labcorp Genetics (formerly Invitae), Labcorp
Classification: Uncertain significance for Paget disease of bone 2, early-onset; Frontotemporal dementia and/or amyotrophic lateral sclerosis 1. Last evaluated: 2025-10-14. Review status: criteria provided, single submitter. Criteria: Invitae Variant Classification Sherloc (09022015). Collection method: clinical testing. Allele origin: germline.
Comment: This sequence change replaces aspartic acid, which is acidic and polar, with glycine, which is neutral and non-polar, at codon 149 of the SQSTM1 protein (p.Asp149Gly). This variant is not present in population databases (gnomAD no frequency). This variant has not been reported in the literature in individuals affected with SQSTM1-related conditions. Invitae Evidence Modeling of protein sequence and biophysical properties (such as structural, functional, and spatial information, amino acid conservation, physicochemical variation, residue mobility, and thermodynamic stability) indicates that this missense variant is expected to disrupt SQSTM1 protein function with a positive predictive value of 80%. In summary, the available evidence is currently insufficient to determine the role of this variant in disease. Therefore, it has been classified as a Variant of Uncertain Significance.

NM_003900.5(SQSTM1):c.446A>G (p.Asp149Gly)

Gene: SQSTM1 (sequestosome 1; plus strand). Cytogenetic location: 5q35.3.
Variant type: single nucleotide variant.
Coding change: c.446A>G on transcript NM_003900.5 (MANE Select); coding-DNA position 446, A replaced by G.
Protein change: p.Asp149Gly; replaces aspartic acid 149 with glycine.
Molecular consequence: missense variant.
Genome position (GRCh38, 1-based): chr5:179,824,002, A>G. VCF-style: chr5-179824002-A-G. GRCh37 (hg19) VCF-style: chr5-179251002-A-G.
Other names: c.194A>G, p.Asp65Gly (NM_001142298.2, NM_001142299.2); short protein forms D65G, D149G.
Identifiers: ClinVar variation 4787988 (VCV004787988.1).